The following is an entry in ClinVar:

NM_001009944.3(PKD1):c.723_725del (p.Phe242del)

Gene: PKD1 (polycystin 1, transient receptor potential channel interacting; minus strand). Cytogenetic location: 16p13.3.
Variant type: Deletion.
Coding change: c.723_725del on transcript NM_001009944.3 (MANE Select); coding-DNA positions 723 to 725, 3 bases deleted (CTT; older notation c.723_725delCTT).
Protein change: p.Phe242del; deletes phenylalanine 242.
Molecular consequence: inframe deletion. On other transcripts: inframe indel (1).
Genome position (GRCh38, 1-based): chr16:2,118,267-2,118,269, AAG deleted on the plus strand (CTT on the coding strand, the reverse complement: PKD1 is on the minus strand). VCF-style (leftmost placement, unchanged base first): chr16-2118266-AAAG-A. GRCh37 (hg19) VCF-style: chr16-2168267-AAAG-A.
Other names: c.723_725del, p.Phe242del (NM_000296.4); c.723_725delCTT, p.Phe242del (NM_001009944.2); c.723_725del (NM_001009944.2); short protein forms F242del.
Identifiers: ClinVar variation 1807316 (VCV001807316.2), dbSNP rs762697451, ClinGen allele CA7833680.

ClinVar aggregate classification (germline): Uncertain significance. Review status: criteria provided, multiple submitters, no conflicts (2 of 4 stars). 2 submissions from 2 submitters: Uncertain significance (2). Last evaluated 2023-08-15.

Allele frequency attached by ClinVar (database versions not stated): ExAC 0.00008; gnomAD 0.00020; TOPMed 0.00021.

Submissions (2):

GeneDx
Classification: Uncertain significance. Last evaluated: 2023-08-15. Review status: criteria provided, single submitter. Criteria: GeneDx Variant Classification Process June 2021. Collection method: clinical testing. Allele origin: germline. Affected: yes.
Comment: In-frame deletion of 1 amino acid in a non-repeat region; In silico analysis supports that this variant does not alter protein structure/function; Has not been previously published as pathogenic or benign to our knowledge

Athena Diagnostics
Classification: Uncertain significance. Last evaluated: 2022-01-28. Review status: criteria provided, single submitter. Criteria: Athena Diagnostics Criteria. Collection method: clinical testing. Allele origin: unknown.